The following is an entry in ClinVar:

ClinVar aggregate classification (germline): Uncertain significance (1 of 4 stars; one submission).

Conditions:
Neonatal-onset encephalopathy with rigidity and seizures. Also called: Lethal neonatal spasticity-epileptic encephalopathy syndrome. Identifiers: Orphanet 435845, MedGen C3281029, MONDO:0013784, OMIM 614498.

gnomAD v4.1: 2 of 1,609,986 alleles (0.00012%); highest among the groups gnomAD compares: Non-Finnish European, 0.00017%; no homozygotes.

Submission:

Labcorp Genetics (formerly Invitae), Labcorp
Classification: Uncertain significance for Neonatal-onset encephalopathy with rigidity and seizures. Last evaluated: 2021-08-24. Review status: criteria provided, single submitter. Criteria: Invitae Variant Classification Sherloc (09022015). Collection method: clinical testing. Allele origin: germline.
Comment: This sequence change replaces leucine with valine at codon 781 of the BRAT1 protein (p.Leu781Val). The leucine residue is highly conserved and there is a small physicochemical difference between leucine and valine. This variant is not present in population databases (ExAC no frequency). This variant has not been reported in the literature in individuals affected with BRAT1-related conditions. Algorithms developed to predict the effect of missense changes on protein structure and function (SIFT, PolyPhen-2, Align-GVGD) all suggest that this variant is likely to be disruptive. In summary, the available evidence is currently insufficient to determine the role of this variant in disease. Therefore, it has been classified as a Variant of Uncertain Significance.

NM_152743.4(BRAT1):c.2341C>G (p.Leu781Val)

Gene: BRAT1 (BRCA1 associated ATM activator 1; minus strand). Cytogenetic location: 7p22.3.
Variant type: single nucleotide variant.
Coding change: c.2341C>G on transcript NM_152743.4 (MANE Select); coding-DNA position 2341, C replaced by G.
Protein change: p.Leu781Val; replaces leucine 781 with valine.
Molecular consequence: missense variant. On other transcripts: non-coding transcript variant (1).
Genome position (GRCh38, 1-based): chr7:2,538,194, G>C on the plus strand (C>G on the coding strand, the complement: BRAT1 is on the minus strand). VCF-style: chr7-2538194-G-C. GRCh37 (hg19) VCF-style: chr7-2577828-G-C.
Other names: c.1816C>G, p.Leu606Val (NM_001350627.2); c.2521C>G, p.Leu841Val (NM_001350626.2); short protein forms L841V, L781V, L606V.
Identifiers: ClinVar variation 1378085 (VCV001378085.5), dbSNP rs2128382998, ClinGen allele CA366623069.
Genomic context (GRCh38, chr7:2,538,194, plus strand): 5'-ACTGGGGACTCTTTTCCACGTGGTCGCTGCTCTCGGCCAGCGTGCTCCGCAGGCCCTCCA[G>C]GTCTAGGGACCTGAGCATGGCCAGCACAGCCTCAGGCTCCTGGTCCCCTGGGGGCTGGGC-3'
Protein context (NP_689956.2, residues 771-791): AVLAMLRSLD[Leu781Val]EGLRSTLAES